The following is an entry in ClinVar:

NM_004415.4(DSP):c.6417C>T (p.Asn2139=)

Gene: DSP (desmoplakin; plus strand). Cytogenetic location: 6p24.3.
Variant type: single nucleotide variant.
Coding change: c.6417C>T on transcript NM_004415.4 (MANE Select); coding-DNA position 6417, C replaced by T.
Protein change: p.Asn2139=; no amino-acid change (asparagine 2139 retained).
Molecular consequence: synonymous variant.
Genome position (GRCh38, 1-based): chr6:7,583,679, C>T. VCF-style: chr6-7583679-C-T. GRCh37 (hg19) VCF-style: chr6-7583912-C-T.
Other names: c.4620C>T, p.Asn1540= (NM_001008844.3); c.5088C>T, p.Asn1696= (NM_001319034.2).
Identifiers: ClinVar variation 2936415 (VCV002936415.4), dbSNP rs2533941030, ClinGen allele CA448716335.

ClinVar aggregate classification (germline): Likely benign. Review status: criteria provided, multiple submitters, no conflicts (2 of 4 stars). 2 submissions from 2 submitters: Likely benign (2). Last evaluated 2023-11-02.

Conditions:
Arrhythmogenic cardiomyopathy with wooly hair and keratoderma. Also called: Arrhythmogenic cardiomyopathy with woolly hair and keratoderma; PALMOPLANTAR KERATODERMA WITH LEFT VENTRICULAR CARDIOMYOPATHY AND WOOLLY HAIR; Carvajal syndrome; Dilated cardiomyopathy with woolly hair and keratoderma. Identifiers: Orphanet 65282, MedGen C1854063, MONDO:0011581, OMIM 605676.
Arrhythmogenic right ventricular dysplasia 8 (ARVD8). Also called: Arrhythmogenic Right Ventricular Dysplasia/Cardiomyopathy 8; ARRHYTHMOGENIC RIGHT VENTRICULAR DYSPLASIA, FAMILIAL, 8; ARRHYTHMOGENIC RIGHT VENTRICULAR CARDIOMYOPATHY 8. Identifiers: MedGen C1843896, MONDO:0011831, OMIM 607450.

gnomAD v4.1: 1 of 1,614,154 alleles (0.000062%); highest among the groups gnomAD compares: African/African-American, 0.0013%; no homozygotes.

Submissions (2):

All of Us Research Program, National Institutes of Health
Classification: Likely benign for Arrhythmogenic cardiomyopathy with wooly hair and keratoderma. Last evaluated: 2023-11-02. Review status: criteria provided, single submitter. Criteria: ACMG Guidelines, 2015. Collection method: clinical testing. Allele origin: germline. Inheritance: Autosomal dominant inheritance. Observed: 1 variant allele, 1 heterozygote.
Comment: This study involves interpretation of variants in research participants for the purpose of population health screening. Participant phenotype was not available at the time of variant classification. Additional details can be found in publication PMID: 35346344, PMCID: PMC8962531

Labcorp Genetics (formerly Invitae), Labcorp
Classification: Likely benign for Arrhythmogenic cardiomyopathy with wooly hair and keratoderma; Arrhythmogenic right ventricular dysplasia 8. Last evaluated: 2023-02-16. Review status: criteria provided, single submitter. Criteria: Invitae Variant Classification Sherloc (09022015). Collection method: clinical testing. Allele origin: germline.